The following is an entry in ClinVar:

ClinVar aggregate classification (germline): Pathogenic. Review status: criteria provided, multiple submitters, no conflicts (2 of 4 stars). 4 submissions from 4 submitters: Pathogenic (3). 1 of the submissions does not count toward it. Last evaluated 2024-07-13.

Conditions:
LCA5-related disorder. Also called: LCA5-related condition.
Leber congenital amaurosis 5 (LCA5). Also called: Amaurosis congenita of Leber, type 5. Identifiers: Orphanet 65, MedGen C1858301, MONDO:0011473, OMIM 604537.

Submissions (4):

Labcorp Genetics (formerly Invitae), Labcorp
Classification: Pathogenic. Last evaluated: 2024-07-13. Review status: criteria provided, single submitter. Criteria: Invitae Variant Classification Sherloc (09022015). Collection method: clinical testing. Allele origin: germline.
Comment: This sequence change creates a premature translational stop signal (p.Glu415*) in the LCA5 gene. While this is not anticipated to result in nonsense mediated decay, it is expected to disrupt the last 283 amino acid(s) of the LCA5 protein. This variant is not present in population databases (gnomAD no frequency). This premature translational stop signal has been observed in individuals with Leber congenital amaurosis (Invitae). ClinVar contains an entry for this variant (Variation ID: 641484). This variant disrupts a region of the LCA5 protein in which other variant(s) (p.Lys586*) have been determined to be pathogenic (PMID: 23946133, 27624628). This suggests that this is a clinically significant region of the protein, and that variants that disrupt it are likely to be disease-causing. For these reasons, this variant has been classified as Pathogenic.

Blueprint Genetics
Classification: Pathogenic for LCA5-related disorders. Last evaluated: 2023-03-14. Review status: criteria provided, single submitter. Criteria: ACMG Guidelines, 2015. Collection method: clinical testing. Allele origin: germline. Affected: yes. Observed: 4 variant alleles.

DBGen Ocular Genomics
Classification: Pathogenic for Leber congenital amaurosis 5. Last evaluated: 2021-06-18. Review status: criteria provided, single submitter. Criteria: ACMG Guidelines, 2015. Collection method: clinical testing. Allele origin: germline. Affected: yes. Observed: 1 variant allele.

Natera, Inc.
Classification: Pathogenic for Leber congenital amaurosis type 5. Last evaluated: 2020-12-30. Review status: no assertion criteria provided. Collection method: clinical testing. Allele origin: germline. Not counted in ClinVar's aggregate classification.

Literature cited by the submitters: PubMed 23946133 (cited by Labcorp Genetics (formerly Invitae), Labcorp); PubMed 27624628 (cited by Labcorp Genetics (formerly Invitae), Labcorp).

NM_001122769.3(LCA5):c.1243G>T (p.Glu415Ter)

Gene: LCA5 (lebercilin LCA5; minus strand). Cytogenetic location: 6q14.1.
Variant type: single nucleotide variant.
Coding change: c.1243G>T on transcript NM_001122769.3 (MANE Select); coding-DNA position 1243, G replaced by T.
Protein change: p.Glu415Ter; replaces glutamic acid 415 with a stop codon.
Molecular consequence: nonsense.
Genome position (GRCh38, 1-based): chr6:79,487,855, C>A on the plus strand (G>T on the coding strand, the complement: LCA5 is on the minus strand). VCF-style: chr6-79487855-C-A. GRCh37 (hg19) VCF-style: chr6-80197572-C-A.
Other names: c.1243G>T, p.Glu415Ter (NM_181714.4); short protein forms E415*.
Identifiers: ClinVar variation 641484 (VCV000641484.17), dbSNP rs1268307330, ClinGen allele CA364641360.